The following is an entry in ClinVar:

ClinVar aggregate classification (germline): Conflicting classifications of pathogenicity. Review status: criteria provided, conflicting classifications (1 of 4 stars). 4 submissions from 4 submitters: Uncertain significance (1); Benign (2); Likely benign (1). Last evaluated 2026-01-21.

Conditions:
Congenital stationary night blindness 1C. Also called: Night blindness, congenital stationary (complete), 1C, autosomal recessive. Identifiers: Orphanet 215, MedGen C2750747, MONDO:0013183, OMIM 613216.
TRPM1-related disorder. Also called: TRPM1-related condition.

Allele frequency attached by ClinVar (database versions not stated): 1000 Genomes Project 0.00359; gnomAD 0.00003 and 0.00046; TOPMed 0.00007; gnomAD exomes 0.00127; ExAC 0.00155; 1000 Genomes Project 30x 0.00281.
gnomAD v4.1: 938 of 1,612,662 alleles (0.058%); highest among the groups gnomAD compares: South Asian, 0.98%; 13 homozygotes.

Submissions (4):

Labcorp Genetics (formerly Invitae), Labcorp
Classification: Benign. Last evaluated: 2026-01-21. Review status: criteria provided, single submitter. Criteria: Invitae Variant Classification Sherloc (09022015). Collection method: clinical testing. Allele origin: germline.

PreventionGenetics, part of Exact Sciences
Classification: Benign for TRPM1-related condition. Last evaluated: 2025-03-14. Review status: criteria provided, single submitter. Criteria: ACMG Guidelines, 2015. Collection method: clinical testing. Allele origin: germline.
Comment: This variant is classified as benign based on ACMG/AMP sequence variant interpretation guidelines (Richards et al. 2015 PMID: 25741868, with internal and published modifications).

Blueprint Genetics
Classification: Likely benign. Last evaluated: 2024-11-08. Review status: criteria provided, single submitter. Criteria: ACMG Guidelines, 2015. Collection method: clinical testing. Allele origin: germline.

Illumina Laboratory Services, Illumina
Classification: Uncertain significance for Congenital stationary night blindness 1C. Last evaluated: 2017-04-27. Review status: criteria provided, single submitter. Criteria: ICSL Variant Classification Criteria 13 December 2019. Collection method: clinical testing. Allele origin: germline.

NM_001252024.2(TRPM1):c.3563A>T (p.His1188Leu)

Genes: TRPM1 (transient receptor potential cation channel subfamily M member 1; minus strand), TRPM1-AS1 (TRPM1 antisense RNA 1; plus strand), LOC126862088 (BRD4-independent group 4 enhancer GRCh37_chr15:31318084-31319283; plus strand). Cytogenetic location: 15q13.3.
Variant type: single nucleotide variant.
Coding change: c.3563A>T on transcript NM_001252024.2 (MANE Select); coding-DNA position 3563, A replaced by T.
Protein change: p.His1188Leu; replaces histidine 1188 with leucine.
Molecular consequence: missense variant.
Genome position (GRCh38, 1-based): chr15:31,026,205, T>A on the plus strand (A>T on the coding strand, the complement: TRPM1 is on the minus strand). VCF-style: chr15-31026205-T-A. GRCh37 (hg19) VCF-style: chr15-31318408-T-A.
Other names: c.3614A>T, p.His1205Leu (NM_001252020.2); c.3497A>T, p.His1166Leu (NM_002420.6); c.3614A>T (NM_001252020.1); short protein forms H1188L, H1205L, H1166L.
Identifiers: ClinVar variation 884302 (VCV000884302.14), dbSNP rs577672274, ClinGen allele CA7451844.